The following is an entry in ClinVar:

ClinVar aggregate classification (germline): Uncertain significance (1 of 4 stars; one submission).

Submission:

Ambry Genetics
Classification: Uncertain significance. Last evaluated: 2024-11-11. Review status: criteria provided, single submitter. Criteria: Ambry Variant Classification Scheme 2023. Collection method: clinical testing. Allele origin: germline.
Comment: The p.W514G variant (also known as c.1540T>G), located in coding exon 14 of the BUB1 gene, results from a T to G substitution at nucleotide position 1540. The tryptophan at codon 514 is replaced by glycine, an amino acid with highly dissimilar properties. This amino acid position is conserved. In addition, this alteration is predicted to be tolerated by in silico analysis. Since supporting evidence is limited at this time, the clinical significance of this alteration remains unclear.

NM_004336.5(BUB1):c.1540T>G (p.Trp514Gly)

Gene: BUB1 (BUB1 mitotic checkpoint serine/threonine kinase; minus strand). Cytogenetic location: 2q13.
Variant type: single nucleotide variant.
Coding change: c.1540T>G on transcript NM_004336.5 (MANE Select); coding-DNA position 1540, T replaced by G.
Protein change: p.Trp514Gly; replaces tryptophan 514 with glycine.
Molecular consequence: missense variant.
Genome position (GRCh38, 1-based): chr2:110,657,622, A>C on the plus strand (T>G on the coding strand, the complement: BUB1 is on the minus strand). VCF-style: chr2-110657622-A-C. GRCh37 (hg19) VCF-style: chr2-111415199-A-C.
Other names: c.1480T>G, p.Trp494Gly (NM_001278616.2); c.1540T>G, p.Trp514Gly (NM_001278617.2); short protein forms W494G, W514G.
Identifiers: ClinVar variation 1774848 (VCV001774848.3), dbSNP rs2468007666, ClinGen allele CA348212084.